The following is an entry in ClinVar:

ClinVar aggregate classification (germline): Uncertain significance. Review status: criteria provided, multiple submitters, no conflicts (2 of 4 stars). 2 submissions from 2 submitters: Uncertain significance (2). Last evaluated 2026-01-20.

Conditions:
Neurofibromatosis, type 1 (NF1). Also called: Neurofibromatosis, type I; VON RECKLINGHAUSEN DISEASE; Peripheral type neurofibromatosis; NEUROFIBROMATOSIS, TYPE I, SOMATIC. Identifiers: Orphanet 636, MedGen C0027831, MONDO:0018975, OMIM 162200. Disease mechanism: loss of function.

Submissions (2):

Labcorp Genetics (formerly Invitae), Labcorp
Classification: Uncertain significance for Neurofibromatosis, type 1. Last evaluated: 2026-01-20. Review status: criteria provided, single submitter. Criteria: Invitae Variant Classification Sherloc (09022015). Collection method: clinical testing. Allele origin: germline.
Comment: This sequence change falls in intron 52 of the NF1 gene. It does not directly change the encoded amino acid sequence of the NF1 protein. It affects a nucleotide within the consensus splice site. This variant is not present in population databases (gnomAD no frequency). This variant has not been reported in the literature in individuals affected with NF1-related conditions. ClinVar contains an entry for this variant (Variation ID: 850895). Variants that disrupt the consensus splice site are a relatively common cause of aberrant splicing (PMID: 17576681, 9536098). Algorithms developed to predict the effect of sequence changes on RNA splicing suggest that this variant may disrupt the consensus splice site. In summary, the available evidence is currently insufficient to determine the role of this variant in disease. Therefore, it has been classified as a Variant of Uncertain Significance.

Quest Diagnostics Nichols Institute San Juan Capistrano
Classification: Uncertain significance. Last evaluated: 2021-07-23. Review status: criteria provided, single submitter. Criteria: Quest Diagnostics criteria. Collection method: clinical testing. Allele origin: unknown.

Literature cited by the submitters: PubMed 17576681 (cited by Labcorp Genetics (formerly Invitae), Labcorp); PubMed 9536098 (cited by Labcorp Genetics (formerly Invitae), Labcorp).

NM_001042492.3(NF1):c.7869+5G>A

Gene: NF1 (neurofibromin 1; plus strand). Cytogenetic location: 17q11.2.
Variant type: single nucleotide variant.
Coding change: c.7869+5G>A on transcript NM_001042492.3 (MANE Select); 5 bases into the intron after coding-DNA position 7869, G replaced by A.
Molecular consequence: intron variant.
Genome position (GRCh38, 1-based): chr17:31,357,095, G>A. VCF-style: chr17-31357095-G-A. GRCh37 (hg19) VCF-style: chr17-29684113-G-A.
Other names: c.7806+5G>A (NM_000267.4).
Identifiers: ClinVar variation 850895 (VCV000850895.7), dbSNP rs1555536725, ClinGen allele CA645572281.